The following is an entry in ClinVar:

ClinVar aggregate classification (germline): Uncertain significance (1 of 4 stars; one submission).

Allele frequency attached by ClinVar (database versions not stated): gnomAD 0.00001; ExAC 0.00004; gnomAD exomes 0.00006 and 0.00005; TOPMed 0.00005.

Submission:

Labcorp Genetics (formerly Invitae), Labcorp
Classification: Uncertain significance. Last evaluated: 2022-06-13. Review status: criteria provided, single submitter. Criteria: Invitae Variant Classification Sherloc (09022015). Collection method: clinical testing. Allele origin: germline.
Comment: This sequence change replaces arginine, which is basic and polar, with cysteine, which is neutral and slightly polar, at codon 1678 of the SBF1 protein (p.Arg1678Cys). This variant is present in population databases (rs779062604, gnomAD 0.02%). This variant has not been reported in the literature in individuals affected with SBF1-related conditions. Algorithms developed to predict the effect of missense changes on protein structure and function output the following: SIFT: "Tolerated"; PolyPhen-2: "Possibly Damaging"; Align-GVGD: "Class C0". The cysteine amino acid residue is found in multiple mammalian species, which suggests that this missense change does not adversely affect protein function. In summary, the available evidence is currently insufficient to determine the role of this variant in disease. Therefore, it has been classified as a Variant of Uncertain Significance.

NM_002972.4(SBF1):c.5032C>T (p.Arg1678Cys)

Gene: SBF1 (SET binding factor 1; minus strand). Cytogenetic location: 22q13.33.
Variant type: single nucleotide variant.
Coding change: c.5032C>T on transcript NM_002972.4 (MANE Select); coding-DNA position 5032, C replaced by T.
Protein change: p.Arg1678Cys; replaces arginine 1678 with cysteine.
Molecular consequence: missense variant.
Genome position (GRCh38, 1-based): chr22:50,454,523, G>A on the plus strand (C>T on the coding strand, the complement: SBF1 is on the minus strand). VCF-style: chr22-50454523-G-A. GRCh37 (hg19) VCF-style: chr22-50892952-G-A.
Other names: c.4957C>T, p.Arg1653Cys (NM_001365819.1); short protein forms R1653C, R1678C.
Identifiers: ClinVar variation 1437827 (VCV001437827.5), dbSNP rs779062604, ClinGen allele CA10316043.